The following is an entry in ClinVar:

NM_000321.3(RB1):c.-141G>T

Gene: RB1 (RB transcriptional corepressor 1; plus strand). Cytogenetic location: 13q14.2.
Variant type: single nucleotide variant.
Coding change: c.-141G>T on transcript NM_000321.3 (MANE Select); 141 bases upstream of the start codon, G replaced by T.
Molecular consequence: 5 prime UTR variant.
Genome position (GRCh38, 1-based): chr13:48,303,772, G>T. VCF-style: chr13-48303772-G-T. GRCh37 (hg19) VCF-style: chr13-48877908-G-T.
Other names: c.-141G>T (NM_001407165.1, NM_001407166.1, NM_001407167.1).
Identifiers: ClinVar variation 4711513 (VCV004711513.1).

ClinVar aggregate classification (germline): Uncertain significance (1 of 4 stars; one submission).

Conditions:
Retinoblastoma (RB1). Also called: RETINOBLASTOMA, SOMATIC. Identifiers: Orphanet 790, MedGen C0035335, MeSH D012175, MONDO:0008380, OMIM 180200, HP:0009919. Disease mechanism: loss of function. Inheritance: Both sporadic and heritable forms are tested..

Submission:

Labcorp Genetics (formerly Invitae), Labcorp
Classification: Uncertain significance for Retinoblastoma. Last evaluated: 2025-02-18. Review status: criteria provided, single submitter. Criteria: Invitae Variant Classification Sherloc (09022015). Collection method: clinical testing. Allele origin: germline.
Comment: This variant occurs in a non-coding region of the RB1 gene. It does not change the encoded amino acid sequence of the RB1 protein. This variant is not present in population databases (gnomAD no frequency). This variant has not been reported in the literature in individuals affected with RB1-related conditions. In summary, the available evidence is currently insufficient to determine the role of this variant in disease. Therefore, it has been classified as a Variant of Uncertain Significance.